The following is an entry in ClinVar:

NM_006017.3(PROM1):c.181A>G (p.Ile61Val)

Gene: PROM1 (prominin 1; minus strand). Cytogenetic location: 4p15.32.
Variant type: single nucleotide variant.
Coding change: c.181A>G on transcript NM_006017.3 (MANE Select); coding-DNA position 181, A replaced by G.
Protein change: p.Ile61Val; replaces isoleucine 61 with valine.
Molecular consequence: missense variant.
Genome position (GRCh38, 1-based): chr4:16,075,726, T>C on the plus strand (A>G on the coding strand, the complement: PROM1 is on the minus strand). VCF-style: chr4-16075726-T-C. GRCh37 (hg19) VCF-style: chr4-16077349-T-C.
Other names: c.181A>G, p.Ile61Val (NM_001145847.2, NM_001145848.2, NM_001145849.2 and 6 more transcripts); short protein forms I61V.
Identifiers: ClinVar variation 348009 (VCV000348009.17), dbSNP rs201701647, ClinGen allele CA2867174.

ClinVar aggregate classification (germline): Conflicting classifications of pathogenicity. Review status: criteria provided, conflicting classifications (1 of 4 stars). 9 submissions from 6 submitters: Uncertain significance (6); Likely benign (3). Last evaluated 2026-01-16.

Conditions:
PROM1-related disorder. Also called: PROM1-related condition; PROM1-related disorders.
Cone-rod dystrophy 12 (CORD12). Identifiers: Orphanet 1872, MedGen C2675210, MONDO:0012983, OMIM 612657.
Stargardt disease 4 (STGD4). Identifiers: Orphanet 827, MedGen C1863534, MONDO:0011370, OMIM 603786.
Retinitis pigmentosa 41 (RP41). Also called: RETINAL DEGENERATION, AUTOSOMAL RECESSIVE, PROMININ-RELATED. Identifiers: Orphanet 791, MedGen C2677516, MONDO:0012796, OMIM 612095.
Retinal macular dystrophy type 2 (MCDR2). Also called: Bull's eye macular dystrophy. Identifiers: Orphanet 319640, MedGen C4749334, MONDO:0011957, OMIM 608051.
Retinitis pigmentosa (RP). Identifiers: Orphanet 791, MedGen C0035334, MeSH D012174, MONDO:0019200, OMIM 268000. Inheritance: Autosomal dominant, autosomal recessive and X linked inheritance.

Allele frequency attached by ClinVar (database versions not stated): ESP Exome Variant Server 0.00008; gnomAD 0.00020 and 0.00021; TOPMed 0.00021; ExAC 0.00027.
gnomAD v4.1: 342 of 1,613,622 alleles (0.021%); highest among the groups gnomAD compares: Middle Eastern, 0.082%; no homozygotes.

Submissions (9):

Labcorp Genetics (formerly Invitae), Labcorp
Classification: Likely benign. Last evaluated: 2026-01-16. Review status: criteria provided, single submitter. Criteria: Invitae Variant Classification Sherloc (09022015). Collection method: clinical testing. Allele origin: germline.

PreventionGenetics, part of Exact Sciences
Classification: Uncertain significance for PROM1-related condition. Last evaluated: 2025-08-12. Review status: criteria provided, single submitter. Criteria: ACMG Guidelines, 2015. Collection method: clinical testing. Allele origin: germline.
Comment: The PROM1 c.181A>G variant is predicted to result in the amino acid substitution p.Ile61Val. This variant has been reported in the heterozygous state in individuals with retinitis pigmentosa (Table S7, Consugar et al. 2015. PubMed ID: 25412400; Table S5, Watson et al. 2014. PubMedID: 25133751); however, one of the individuals also had a homozygous pathogenic variant in the BBS2 gene. This variant is reported in 0.54% of alleles in individuals of Ashkenazi Jewish descent in gnomAD. At this time, the clinical significance of this variant is uncertain due to the absence of conclusive functional and genetic evidence.

Blueprint Genetics
Classification: Likely benign. Last evaluated: 2024-09-23. Review status: criteria provided, single submitter. Criteria: ACMG Guidelines, 2015. Collection method: clinical testing. Allele origin: germline.

GeneDx
Classification: Uncertain significance. Last evaluated: 2023-08-14. Review status: criteria provided, single submitter. Criteria: GeneDx Variant Classification Process June 2021. Collection method: clinical testing. Allele origin: germline. Affected: yes.
Comment: Identified in the heterozygous state in a patient with retinitis pigmentosa in published literature, but familial segregation information was not included (Consugar et al., 2015); In silico analysis supports that this missense variant does not alter protein structure/function; This variant is associated with the following publications: (PMID: 34426522, 25412400)

Department of Pathology and Laboratory Medicine, Sinai Health System
Classification: Uncertain significance for Stargardt disease 4; Retinal macular dystrophy type 2; Retinitis pigmentosa 41; Cone-rod dystrophy 12. Last evaluated: 2022-04-01. Review status: criteria provided, single submitter. Criteria: ACMG Guidelines, 2015. Collection method: research. Allele origin: germline.

Illumina Laboratory Services, Illumina
Classification: Uncertain significance for Retinitis pigmentosa. Last evaluated: 2018-01-12. Review status: criteria provided, single submitter. Criteria: ICSL Variant Classification Criteria 13 December 2019. Collection method: clinical testing. Allele origin: germline.

Illumina Laboratory Services, Illumina
Classification: Uncertain significance for Retinal macular dystrophy type 2. Last evaluated: 2018-01-12. Review status: criteria provided, single submitter. Criteria: ICSL Variant Classification Criteria 13 December 2019. Collection method: clinical testing. Allele origin: germline.

Illumina Laboratory Services, Illumina
Classification: Uncertain significance for Stargardt disease 4. Last evaluated: 2018-01-12. Review status: criteria provided, single submitter. Criteria: ICSL Variant Classification Criteria 13 December 2019. Collection method: clinical testing. Allele origin: germline.

Illumina Laboratory Services, Illumina
Classification: Likely benign for Cone-rod dystrophy 12. Last evaluated: 2018-01-12. Review status: criteria provided, single submitter. Criteria: ICSL Variant Classification Criteria 13 December 2019. Collection method: clinical testing. Allele origin: germline.
Comment: This variant was observed in the ICSL laboratory as part of a predisposition screen in an ostensibly healthy population. It had not been previously curated by ICSL or reported in the Human Gene Mutation Database (HGMD: prior to June 1st, 2018), and was therefore a candidate for classification through an automated scoring system. Utilizing variant allele frequency, disease prevalence and penetrance estimates, and inheritance mode, an automated score was calculated to assess if this variant is too frequent to cause the disease. Based on the score and internal cut-off values, a variant classified as likely benign is not then subjected to further curation. The score for this variant resulted in a classification of likely benign for this disease.